The following is an entry in ClinVar:

ClinVar aggregate classification (germline): Uncertain significance (1 of 4 stars; one submission).

Conditions:
Cardiovascular phenotype. Identifiers: MedGen CN230736.

Submission:

Ambry Genetics
Classification: Uncertain significance for Cardiovascular phenotype. Last evaluated: 2021-11-09. Review status: criteria provided, single submitter. Criteria: Ambry Variant Classification Scheme 2023. Collection method: clinical testing. Allele origin: germline.
Comment: The p.R755G variant (also known as c.2263C>G), located in coding exon 9 of the RBM20 gene, results from a C to G substitution at nucleotide position 2263. The arginine at codon 755 is replaced by glycine, an amino acid with dissimilar properties. This amino acid position is conserved. In addition, the in silico prediction for this alteration is inconclusive. Since supporting evidence is limited at this time, the clinical significance of this alteration remains unclear.

NM_001134363.3(RBM20):c.2263C>G (p.Arg755Gly)

Gene: RBM20 (RNA binding motif protein 20; plus strand). Cytogenetic location: 10q25.2.
Variant type: single nucleotide variant.
Coding change: c.2263C>G on transcript NM_001134363.3 (MANE Select); coding-DNA position 2263, C replaced by G.
Protein change: p.Arg755Gly; replaces arginine 755 with glycine.
Molecular consequence: missense variant.
Genome position (GRCh38, 1-based): chr10:110,812,660, C>G. VCF-style: chr10-110812660-C-G. GRCh37 (hg19) VCF-style: chr10-112572418-C-G.
Other names: short protein forms R755G.
Identifiers: ClinVar variation 1788663 (VCV001788663.2), dbSNP rs770910910, ClinGen allele CA378373108.